The following is an entry in ClinVar:

NM_001276345.2(TNNT2):c.776A>T (p.Asp259Val)

Gene: TNNT2 (troponin T2, cardiac type; minus strand). Cytogenetic location: 1q32.1.
Variant type: single nucleotide variant.
Coding change: c.776A>T on transcript NM_001276345.2 (MANE Select); coding-DNA position 776, A replaced by T.
Protein change: p.Asp259Val; replaces aspartic acid 259 with valine.
Molecular consequence: missense variant.
Genome position (GRCh38, 1-based): chr1:201,361,313, T>A on the plus strand (A>T on the coding strand, the complement: TNNT2 is on the minus strand). VCF-style: chr1-201361313-T-A. GRCh37 (hg19) VCF-style: chr1-201330441-T-A.
Other names: c.767A>T, p.Asp256Val (NM_000364.4, NM_001406723.1); c.746A>T, p.Asp249Val (NM_001001430.3, NM_001406724.1, NM_001276347.2); c.737A>T, p.Asp246Val (NM_001001431.3, NM_001406726.1, NM_001406727.1); c.728A>T, p.Asp243Val (NM_001001432.3); c.647A>T, p.Asp216Val (NM_001276346.2); c.743A>T, p.Asp248Val (NM_001406725.1); c.731A>T, p.Asp244Val (NM_001406728.1); short protein forms D243V, D259V, D216V, D244V, D248V, D249V, D256V, D246V.
Identifiers: ClinVar variation 2774627 (VCV002774627.5), dbSNP rs1658581767, ClinGen allele CA344202645.
Genomic context (GRCh38, chr1:201,361,313, plus strand): 5'-TGGGCGGGGACAGCATGGCGGCCCACCTCATATTTCTGCTGCTTGAACTTCTCCTGCAGG[T>A]CGAACTTCTCTGCCTCCAAGTTATAGATGCTCTGCCACAGCTCCTTGGCCTTCTCCCTGC-3'
Protein context (NP_001263274.1, residues 249-269): SIYNLEAEKF[Asp259Val]LQEKFKQQKY

ClinVar aggregate classification (germline): Uncertain significance. Review status: criteria provided, multiple submitters, no conflicts (2 of 4 stars). 3 submissions from 3 submitters: Uncertain significance (3). Last evaluated 2024-06-13.

Conditions:
Dilated cardiomyopathy 1D. Identifiers: Orphanet 154, Orphanet 54260, MedGen C1832243, MONDO:0011095, OMIM 601494.
Cardiomyopathy, familial restrictive, 3. Identifiers: Orphanet 75249, MedGen C2676271, MONDO:0012900, OMIM 612422.
Hypertrophic cardiomyopathy 2. Also called: TNNT2-Related Familial Hypertrophic Cardiomyopathy. Identifiers: MedGen C1861864, MONDO:0007266, OMIM 115195.
Cardiomyopathy (CMYO). Also called: Cardiomyopathies. Identifiers: Orphanet 167848, MedGen C0878544, MONDO:0004994, HP:0001638. Inheritance: Various modes of inheritance.

Submissions (3):

Labcorp Genetics (formerly Invitae), Labcorp
Classification: Uncertain significance for Cardiomyopathy, familial restrictive, 3; Hypertrophic cardiomyopathy 2; Dilated cardiomyopathy 1D. Last evaluated: 2024-06-13. Review status: criteria provided, single submitter. Criteria: Invitae Variant Classification Sherloc (09022015). Collection method: clinical testing. Allele origin: germline.
Comment: This sequence change replaces aspartic acid, which is acidic and polar, with valine, which is neutral and non-polar, at codon 249 of the TNNT2 protein (p.Asp249Val). This variant is not present in population databases (gnomAD no frequency). This variant has not been reported in the literature in individuals affected with TNNT2-related conditions. Advanced modeling of protein sequence and biophysical properties (such as structural, functional, and spatial information, amino acid conservation, physicochemical variation, residue mobility, and thermodynamic stability) performed at Invitae indicates that this missense variant is expected to disrupt TNNT2 protein function with a positive predictive value of 95%. In summary, the available evidence is currently insufficient to determine the role of this variant in disease. Therefore, it has been classified as a Variant of Uncertain Significance.

All of Us Research Program, National Institutes of Health
Classification: Uncertain significance for Cardiomyopathy. Last evaluated: 2023-09-18. Review status: criteria provided, single submitter. Criteria: ACMG Guidelines, 2015. Collection method: clinical testing. Allele origin: germline. Inheritance: Autosomal dominant inheritance. Observed: 1 variant allele, 1 heterozygote.
Comment: This missense variant replaces aspartic acid with valine at codon 249 of the TNNT2 protein. Computational prediction suggests that this variant may have deleterious impact on protein structure and function (internally defined REVEL score threshold >= 0.7, PMID: 27666373). To our knowledge, functional studies have not been reported for this variant. This variant has not been reported in individuals affected with TNNT2-related disorders in the literature. This variant has not been identified in the general population by the Genome Aggregation Database (gnomAD). The available evidence is insufficient to determine the role of this variant in disease conclusively. Therefore, this variant is classified as a Variant of Uncertain Significance.

This study involves interpretation of variants in research participants for the purpose of population health screening. Participant phenotype was not available at the time of variant classification. Additional details can be found in publication PMID: 35346344, PMCID: PMC8962531

Color Diagnostics, LLC DBA Color Health
Classification: Uncertain significance for Cardiomyopathy. Last evaluated: 2023-07-20. Review status: criteria provided, single submitter. Criteria: ACMG Guidelines, 2015. Collection method: clinical testing. Allele origin: germline.
Comment: This missense variant replaces aspartic acid with valine at codon 249 of the TNNT2 protein. Computational prediction suggests that this variant may have deleterious impact on protein structure and function (internally defined REVEL score threshold >= 0.7, PMID: 27666373). To our knowledge, functional studies have not been reported for this variant. This variant has not been reported in individuals affected with TNNT2-related disorders in the literature. This variant has not been identified in the general population by the Genome Aggregation Database (gnomAD). The available evidence is insufficient to determine the role of this variant in disease conclusively. Therefore, this variant is classified as a Variant of Uncertain Significance.